The following is an entry in ClinVar:

NM_004733.4(SLC33A1):c.1615G>T (p.Gly539Ter)

Gene: SLC33A1 (solute carrier family 33 member 1; minus strand). Cytogenetic location: 3q25.31.
Variant type: single nucleotide variant.
Coding change: c.1615G>T on transcript NM_004733.4 (MANE Select); coding-DNA position 1615, G replaced by T.
Protein change: p.Gly539Ter; replaces glycine 539 with a stop codon.
Molecular consequence: nonsense.
Genome position (GRCh38, 1-based): chr3:155,828,245, C>A on the plus strand (G>T on the coding strand, the complement: SLC33A1 is on the minus strand). VCF-style: chr3-155828245-C-A. GRCh37 (hg19) VCF-style: chr3-155546034-C-A.
Other names: c.1615G>T, p.Gly539Ter (NM_001190992.2); c.1309G>T, p.Gly437Ter (NM_001363883.1); short protein forms G437*, G539*.
Identifiers: ClinVar variation 1995153 (VCV001995153.4), dbSNP rs1752268714, ClinGen allele CA355139681.

ClinVar aggregate classification (germline): Uncertain significance (1 of 4 stars; one submission).

Conditions:
Spastic paraplegia. Identifiers: MedGen C0037772, HP:0001258.

Submission:

Labcorp Genetics (formerly Invitae), Labcorp
Classification: Uncertain significance for Spastic paraplegia. Last evaluated: 2022-05-27. Review status: criteria provided, single submitter. Criteria: Invitae Variant Classification Sherloc (09022015). Collection method: clinical testing. Allele origin: germline.
Comment: In summary, the available evidence is currently insufficient to determine the role of this variant in disease. Therefore, it has been classified as a Variant of Uncertain Significance. Experimental studies and prediction algorithms are not available or were not evaluated, and the functional significance of this variant is currently unknown. This variant has not been reported in the literature in individuals affected with SLC33A1-related conditions. This variant is not present in population databases (gnomAD no frequency). This sequence change creates a premature translational stop signal (p.Gly539*) in the SLC33A1 gene. While this is not anticipated to result in nonsense mediated decay, it is expected to disrupt the last 11 amino acid(s) of the SLC33A1 protein.